The following is an entry in ClinVar:

ClinVar aggregate classification (germline): Uncertain significance (1 of 4 stars; one submission).

Submission:

GeneDx
Classification: Uncertain significance. Last evaluated: 2024-01-09. Review status: criteria provided, single submitter. Criteria: GeneDx Variant Classification Process June 2021. Collection method: clinical testing. Allele origin: germline. Affected: yes.
Comment: Not observed at significant frequency in large population cohorts (gnomAD); In silico analysis supports that this missense variant has a deleterious effect on protein structure/function; Has not been previously published as pathogenic or benign to our knowledge

NM_181332.3(NLGN4X):c.1228C>T (p.Pro410Ser)

Gene: NLGN4X (neuroligin 4 X-linked; minus strand). Cytogenetic location: Xp22.32.
Variant type: single nucleotide variant.
Coding change: c.1228C>T on transcript NM_181332.3 (MANE Select); coding-DNA position 1228, C replaced by T.
Protein change: p.Pro410Ser; replaces proline 410 with serine.
Molecular consequence: missense variant.
Genome position (GRCh38, 1-based): chrX:5,903,450, G>A on the plus strand (C>T on the coding strand, the complement: NLGN4X is on the minus strand). VCF-style: chrX-5903450-G-A. GRCh37 (hg19) VCF-style: chrX-5821491-G-A.
Other names: c.1228C>T, p.Pro410Ser (NM_001282145.2, NM_001282146.2, NM_020742.4); short protein forms P410S.
Identifiers: ClinVar variation 3367681 (VCV003367681.1).
Genomic context (GRCh38, chrX:5,903,450, plus strand): 5'-TATCGGCCCAGTCTGTGTACATGAACTTGATAGTCTCCCGCAAAGTGTCTTTCCCTTCAG[G>A]GTAGCCGTAAAGGTTGTCCACGAAGTTGGACACGGAGAAGTCAAAGTCGTTGGGCGTCAC-3'
Protein context (NP_851849.1, residues 400-420): SNFVDNLYGY[Pro410Ser]EGKDTLRETI